The following is an entry in ClinVar:

NM_000089.4(COL1A2):c.3491G>A (p.Arg1164His)

Gene: COL1A2 (collagen type I alpha 2 chain; plus strand). Cytogenetic location: 7q21.3.
Variant type: single nucleotide variant.
Coding change: c.3491G>A on transcript NM_000089.4 (MANE Select); coding-DNA position 3491, G replaced by A.
Protein change: p.Arg1164His; replaces arginine 1164 with histidine.
Molecular consequence: missense variant.
Genome position (GRCh38, 1-based): chr7:94,427,850, G>A. VCF-style: chr7-94427850-G-A. GRCh37 (hg19) VCF-style: chr7-94057162-G-A.
Other names: short protein forms R1164H.
Identifiers: ClinVar variation 944390 (VCV000944390.14), dbSNP rs764327381, ClinGen allele CA4347766.
Genomic context (GRCh38, chr7:94,427,850, plus strand): 5'-ACCAGATTGAGACCCTTCTTACTCCTGAAGGCTCTAGAAAGAACCCAGCTCGCACATGCC[G>A]TGACTTGAGACTCAGCCACCCAGAGTGGAGCAGTGGTAGGTCAAGATGTCCAGACCAGAC-3'
Protein context (NP_000080.2, residues 1154-1174): GSRKNPARTC[Arg1164His]DLRLSHPEWS

ClinVar aggregate classification (germline): Uncertain significance. Review status: criteria provided, multiple submitters, no conflicts (2 of 4 stars). 3 submissions from 3 submitters: Uncertain significance (3). Last evaluated 2025-12-09.

Conditions:
Osteogenesis imperfecta type I (OI1). Also called: Lobstein's Disease; OI, TYPE I; OSTEOGENESIS IMPERFECTA TARDA; OSTEOGENESIS IMPERFECTA WITH BLUE SCLERAE; Osteogenesis imperfecta type 1; Lobstein disease. Identifiers: Orphanet 216796, Orphanet 666, MedGen C0023931, MONDO:0008146, OMIM 166200. Disease mechanism: loss of function.
Ehlers-Danlos syndrome, classic type, 1 (EDSCL1). Also called: Ehlers-Danlos syndrome, type 1; EHLERS-DANLOS SYNDROME, GRAVIS TYPE; EHLERS-DANLOS SYNDROME, SEVERE CLASSIC TYPE; EDS I; Ehlers-Danlos Syndrome, Classic Type, COL5A1-Related. Identifiers: MedGen C0268335, MONDO:0019567, OMIM 130000.

Allele frequency attached by ClinVar (database versions not stated): gnomAD 0.00002 and 0.00003; ExAC 0.00001; gnomAD exomes 0.00001 and 0.00002; TOPMed 0.00001.
gnomAD v4.1: 16 of 1,614,024 alleles (0.00099%); highest among the groups gnomAD compares: Admixed American, 0.0067%; no homozygotes.

Submissions (3):

Labcorp Genetics (formerly Invitae), Labcorp
Classification: Uncertain significance for Osteogenesis imperfecta type I; Ehlers-Danlos syndrome, classic type, 1. Last evaluated: 2025-12-09. Review status: criteria provided, single submitter. Criteria: Invitae Variant Classification Sherloc (09022015). Collection method: clinical testing. Allele origin: germline.
Comment: This sequence change replaces arginine, which is basic and polar, with histidine, which is basic and polar, at codon 1164 of the COL1A2 protein (p.Arg1164His). This variant is present in population databases (rs764327381, gnomAD 0.007%). This missense change has been observed in individual(s) with osteogenesis imperfecta, type IV (PMID: 27509835). It has also been observed to segregate with disease in related individuals. ClinVar contains an entry for this variant (Variation ID: 944390). Invitae Evidence Modeling of protein sequence and biophysical properties (such as structural, functional, and spatial information, amino acid conservation, physicochemical variation, residue mobility, and thermodynamic stability) has been performed for this missense variant. However, the output from this modeling did not meet the statistical confidence thresholds required to predict the impact of this variant on COL1A2 protein function. In summary, the available evidence is currently insufficient to determine the role of this variant in disease. Therefore, it has been classified as a Variant of Uncertain Significance.

ARUP Laboratories, Molecular Genetics and Genomics, ARUP Laboratories
Classification: Uncertain significance. Last evaluated: 2024-04-13. Review status: criteria provided, single submitter. Criteria: ARUP Molecular Germline Variant Investigation Process 2024. Collection method: clinical testing. Allele origin: germline.
Comment: The COL1A2 c.3491G>A; p.Arg1164His variant (rs764327381) is reported in the literature in two individuals in a family affected with osteogenesis imperfecta type IV (Bardai 2016). This variant is also reported in ClinVar (Variation ID: 944390). This variant is found in the general population with an overall allele frequency of 0.002% (5/250,550 alleles) in the Genome Aggregation Database (v2.1.1). Computational analyses are uncertain whether this variant is neutral or deleterious (REVEL: 0.61). Due to limited information, the clinical significance of this variant is uncertain at this time. References: Bardai G et al. DNA sequence analysis in 598 individuals with a clinical diagnosis of osteogenesis imperfecta: diagnostic yield and mutation spectrum. Osteoporos Int. 2016 Dec;27(12):3607-3613. PMID: 27509835.

GeneDx
Classification: Uncertain significance. Last evaluated: 2019-03-04. Review status: criteria provided, single submitter. Criteria: GeneDx Variant Classification Process June 2021. Collection method: clinical testing. Allele origin: germline. Affected: yes.
Comment: In silico analysis, which includes protein predictors and evolutionary conservation, supports a deleterious effect; Observed in 1/15292 (0.0065%) alleles from individuals of African ancestry in large population cohorts (Lek et al., 2016).; Missense variants in nearby residues (C1163R, D1165E) have been reported in the Human Gene Mutation Database in association with osteogenesis imperfecta (Stenson et al., 2014).; Has been reported in a single family in association with osteogenesis imperfecta (Bardai et al., 2016); This variant is associated with the following publications: (PMID: 27509835)

Literature cited by the submitters: PubMed 27509835 (cited by Labcorp Genetics (formerly Invitae), Labcorp).